The following is an entry in ClinVar:

NM_198525.3(KIF7):c.1462C>T (p.Gln488Ter)

Gene: KIF7 (kinesin family member 7; minus strand). Cytogenetic location: 15q26.1.
Variant type: single nucleotide variant.
Coding change: c.1462C>T on transcript NM_198525.3 (MANE Select); coding-DNA position 1462, C replaced by T.
Protein change: p.Gln488Ter; replaces glutamine 488 with a stop codon.
Molecular consequence: nonsense.
Genome position (GRCh38, 1-based): chr15:89,647,694, G>A on the plus strand (C>T on the coding strand, the complement: KIF7 is on the minus strand). VCF-style: chr15-89647694-G-A. GRCh37 (hg19) VCF-style: chr15-90190925-G-A.
Other names: short protein forms Q488*.
Identifiers: ClinVar variation 2812476 (VCV002812476.3), dbSNP rs2505490478, ClinGen allele CA393768855.
Genomic context (GRCh38, chr15:89,647,694, plus strand): 5'-CCAGAAAGTCTCGGTTCTCCTCCTCCAGCCGCGCCACCTGGTTCTGCAGGGTCAGCAGCT[G>A]CTGCGCCCCCTCATCCTCCTATAGGGCAGGGAGAGGGGCTTCAGGGGCGGGGGTTGACAG-3'

ClinVar aggregate classification (germline): Pathogenic (1 of 4 stars; one submission).

Conditions:
Acrocallosal syndrome (ACLS). Also called: HALLUX DUPLICATION, POSTAXIAL POLYDACTYLY, AND ABSENCE OF CORPUS CALLOSUM; Schinzel syndrome 1; Absence of corpus callosum with unusual facial appearance, mental deficiency, duplication of the halluces and polydactyly. Identifiers: Orphanet 36, MedGen C0796147, MONDO:0008708, OMIM 200990.

Submission:

Labcorp Genetics (formerly Invitae), Labcorp
Classification: Pathogenic for Acrocallosal syndrome. Last evaluated: 2022-11-06. Review status: criteria provided, single submitter. Criteria: Invitae Variant Classification Sherloc (09022015). Collection method: clinical testing. Allele origin: germline.
Comment: For these reasons, this variant has been classified as Pathogenic. This variant has not been reported in the literature in individuals affected with KIF7-related conditions. This variant is not present in population databases (gnomAD no frequency). This sequence change creates a premature translational stop signal (p.Gln488*) in the KIF7 gene. It is expected to result in an absent or disrupted protein product. Loss-of-function variants in KIF7 are known to be pathogenic (PMID: 19666503, 21552264, 21633164, 26648833).

Literature cited by the submitters: PubMed 19666503; PubMed 21552264; PubMed 21633164; PubMed 26648833.